The following is an entry in ClinVar:

ClinVar aggregate classification (germline): Uncertain significance (1 of 4 stars; one submission).

Conditions:
Heterotaxy, visceral, 8, autosomal (HTX8). Identifiers: MedGen C4310668, MONDO:0014967, OMIM 617205.

Allele frequency attached by ClinVar (database versions not stated): ExAC 0.00001; gnomAD exomes 0.00003.
gnomAD v4.1: 7 of 1,614,040 alleles (0.00043%); highest among the groups gnomAD compares: Admixed American, 0.012%; no homozygotes.

Submission:

Baylor Genetics
Classification: Uncertain significance for Heterotaxy, visceral, 8, autosomal. Last evaluated: 2020-11-17. Review status: criteria provided, single submitter. Criteria: ACMG Guidelines, 2015. Collection method: clinical testing. Allele origin: unknown. Affected: yes.
Comment: This variant was determined to be of uncertain significance according to ACMG Guidelines, 2015 [PMID:25741868].

NM_138295.5(PKD1L1):c.8438C>T (p.Pro2813Leu)

Gene: PKD1L1 (polycystin 1 like 1, transient receptor potential channel interacting; minus strand). Cytogenetic location: 7p12.3.
Variant type: single nucleotide variant.
Coding change: c.8438C>T on transcript NM_138295.5 (MANE Select); coding-DNA position 8438, C replaced by T.
Protein change: p.Pro2813Leu; replaces proline 2813 with leucine.
Molecular consequence: missense variant.
Genome position (GRCh38, 1-based): chr7:47,792,715, G>A on the plus strand (C>T on the coding strand, the complement: PKD1L1 is on the minus strand). VCF-style: chr7-47792715-G-A. GRCh37 (hg19) VCF-style: chr7-47832313-G-A.
Other names: short protein forms P2813L.
Identifiers: ClinVar variation 1027707 (VCV001027707.1), dbSNP rs748675283, ClinGen allele CA4251724.